The following is an entry in ClinVar:

NM_020376.4(PNPLA2):c.401C>G (p.Ser134Cys)

Gene: PNPLA2 (patatin like domain 2, triacylglycerol lipase; plus strand). Cytogenetic location: 11p15.5.
Variant type: single nucleotide variant.
Coding change: c.401C>G on transcript NM_020376.4 (MANE Select); coding-DNA position 401, C replaced by G.
Protein change: p.Ser134Cys; replaces serine 134 with cysteine.
Molecular consequence: missense variant.
Genome position (GRCh38, 1-based): chr11:821,841, C>G. VCF-style: chr11-821841-C-G. GRCh37 (hg19) VCF-style: chr11-821841-C-G.
Other names: short protein forms S134C.
Identifiers: ClinVar variation 647221 (VCV000647221.10), dbSNP rs779172876, ClinGen allele CA5790958.

ClinVar aggregate classification (germline): Uncertain significance (1 of 4 stars; one submission).

Conditions:
Neutral lipid storage myopathy (NLSDM). Also called: NEUTRAL LIPID STORAGE DISEASE WITHOUT ICHTHYOSIS. Identifiers: Orphanet 98908, MedGen C1853136, MONDO:0012545, OMIM 610717.

Allele frequency attached by ClinVar (database versions not stated): gnomAD exomes below 0.00001; ExAC 0.00001.
gnomAD v4.1: 3 of 1,613,916 alleles (0.00019%); highest among the groups gnomAD compares: Non-Finnish European, 0.00025%; no homozygotes.

Submission:

Labcorp Genetics (formerly Invitae), Labcorp
Classification: Uncertain significance for Neutral lipid storage myopathy. Last evaluated: 2019-03-22. Review status: criteria provided, single submitter. Criteria: Invitae Variant Classification Sherloc (09022015). Collection method: clinical testing. Allele origin: germline.
Comment: The frequency data for this variant in the population databases is considered unreliable, as metrics indicate poor data quality at this position in the ExAC database. In summary, the available evidence is currently insufficient to determine the role of this variant in disease. Therefore, it has been classified as a Variant of Uncertain Significance. Algorithms developed to predict the effect of missense changes on protein structure and function are either unavailable or do not agree on the potential impact of this missense change (SIFT: "Deleterious"; PolyPhen-2: "Probably Damaging"; Align-GVGD: "Class C15"). This variant has not been reported in the literature in individuals with PNPLA2-related disease. This sequence change replaces serine with cysteine at codon 134 of the PNPLA2 protein (p.Ser134Cys). The serine residue is highly conserved and there is a moderate physicochemical difference between serine and cysteine.